The following is an entry in ClinVar:

ClinVar aggregate classification (germline): Uncertain significance (1 of 4 stars; one submission).

Conditions:
Leigh syndrome (NULS). Also called: Leigh's necrotizing encephalopathy; Leigh's disease; Leigh Syndrome (mtDNA deletion); Leigh Disease; Subacute necrotizing encephalopathy; Necrotizing encephalopathy infantile subacute of Leigh. Identifiers: Orphanet 506, MedGen C2931891, MONDO:0009723, OMIM 256000.

Submission:

Wong Mito Lab, Molecular and Human Genetics, Baylor College of Medicine
Classification: Uncertain significance for Leigh syndrome. Last evaluated: 2019-10-17. Review status: criteria provided, single submitter. Criteria: Modified ACMG Guidelines (Unpublished). Collection method: clinical testing. Allele origin: germline.
Comment: The NC_012920.1:m.7015A>G (YP_003024028.1:p.Tyr371Cys) variant in MTCO1 gene is interpretated to be a Uncertain Significance variant based on the modified ACMG guidelines (unpublished). This variant meets the following evidence codes: PP3, PP7, BP5

NC_012920.1(MT-CO1):m.7015A>G

Gene: MT-CO1 (mitochondrially encoded cytochrome c oxidase I; plus strand).
Variant type: single nucleotide variant.
Genome position: chrM-7015-A-G.
Identifiers: ClinVar variation 692691 (VCV000692691.1), dbSNP rs1603220734, ClinGen allele CA414790663.
Genomic context (GRCh38, chrMT:7,015, plus strand): 5'-GTGGCCTGACTGGCATTGTATTAGCAAACTCATCACTAGACATCGTACTACACGACACGT[A>G]CTACGTTGTAGCCCACTTCCACTATGTCCTATCAATAGGAGCTGTATTTGCCATCATAGG-3'